The following is an entry in ClinVar:

NM_000593.6(TAP1):c.1564C>T (p.Gln522Ter)

Gene: TAP1 (transporter 1, ATP binding cassette subfamily B member; minus strand). Cytogenetic location: 6p21.32.
Variant type: single nucleotide variant.
Coding change: c.1564C>T on transcript NM_000593.6 (MANE Select); coding-DNA position 1564, C replaced by T.
Protein change: p.Gln522Ter; replaces glutamine 522 with a stop codon.
Molecular consequence: nonsense.
Genome position (GRCh38, 1-based): chr6:32,848,654, G>A on the plus strand (C>T on the coding strand, the complement: TAP1 is on the minus strand). VCF-style: chr6-32848654-G-A. GRCh37 (hg19) VCF-style: chr6-32816431-G-A.
Other names: c.961C>T, p.Gln321Ter (NM_001292022.2); short protein forms Q582*, Q321*, Q522*.
Identifiers: ClinVar variation 839821 (VCV000839821.24), dbSNP rs967210854, ClinGen allele CA137014934.

ClinVar aggregate classification (germline): Pathogenic/Likely pathogenic. Review status: criteria provided, multiple submitters, no conflicts (2 of 4 stars). 5 submissions from 5 submitters: Pathogenic (3); Likely pathogenic (2). Last evaluated 2025-10-22.

Conditions:
TAP1-related disorder. Also called: TAP1-related condition.
MHC class I deficiency. Identifiers: Orphanet 34592, MedGen C6024714, MONDO:0011476.

Allele frequency attached by ClinVar (database versions not stated): gnomAD 0.00003 and 0.00004; gnomAD exomes 0.00003; TOPMed 0.00007.
gnomAD v4.1: 54 of 1,613,846 alleles (0.0033%); highest among the groups gnomAD compares: Non-Finnish European, 0.0042%; no homozygotes.

Submissions (5):

PreventionGenetics, part of Exact Sciences
Classification: Likely pathogenic for TAP1-related condition. Last evaluated: 2025-10-22. Review status: criteria provided, single submitter. Criteria: ACMG Guidelines, 2015. Collection method: clinical testing. Allele origin: germline.
Comment: The TAP1 c.1744C>T variant is predicted to result in premature protein termination (p.Gln582*). This variant was reported in the homozygous state in an individual with HLA class I deficiency (referred to as codon 522, Parissiadis et al. 2005. PubMed ID: 16299152). This variant is reported in 0.0054% of alleles in individuals of European (Non-Finnish) descent in gnomAD. Nonsense variants in TAP1 are expected to be pathogenic. This variant is interpreted as likely pathogenic.

Labcorp Genetics (formerly Invitae), Labcorp
Classification: Pathogenic for MHC class I deficiency 1. Last evaluated: 2025-08-10. Review status: criteria provided, single submitter. Criteria: Invitae Variant Classification Sherloc (09022015). Collection method: clinical testing. Allele origin: germline.
Comment: This sequence change creates a premature translational stop signal (p.Gln582*) in the TAP1 gene. It is expected to result in an absent or disrupted protein product. Loss-of-function variants in TAP1 are known to be pathogenic (PMID: 10074494, 10074495). This variant is present in population databases (no rsID available, gnomAD 0.006%). This premature translational stop signal has been observed in individual(s) with hereditary major histocompatibility complex (MHC) class I deficiency (PMID: 16299152). It has also been observed to segregate with disease in related individuals. This variant is also known as Q522X. ClinVar contains an entry for this variant (Variation ID: 839821). Algorithms developed to predict the effect of sequence changes on RNA splicing suggest that this variant may disrupt the consensus splice site. For these reasons, this variant has been classified as Pathogenic.

CeGaT Center for Human Genetics Tuebingen
Classification: Pathogenic. Last evaluated: 2025-01-01. Review status: criteria provided, single submitter. Criteria: CeGaT Center For Human Genetics Tuebingen Variant Classification Criteria Version 2. Collection method: clinical testing. Allele origin: germline. Affected: yes. Observed: 1 variant allele.
Comment: TAP1: PVS1, PM2, PM3

GeneDx
Classification: Pathogenic. Last evaluated: 2023-08-31. Review status: criteria provided, single submitter. Criteria: GeneDx Variant Classification Process June 2021. Collection method: clinical testing. Allele origin: germline. Affected: yes.
Comment: Reported as heterozygous, without a second pathogenic variant identified, in an individual with recurrent respiratory tract infections and decreased major histocompatibility complex expression (Van den Berg et al., 2019); Nonsense variant predicted to result in protein truncation or nonsense mediated decay in a gene for which loss of function is a known mechanism of disease; This variant is associated with the following publications: (PMID: 25525159, 10074495, 10074494, 16299152, Berg2016[case report])

Blueprint Genetics
Classification: Likely pathogenic for TAP1-related disorders. Last evaluated: 2023-01-10. Review status: criteria provided, single submitter. Criteria: ACMG Guidelines, 2015. Collection method: clinical testing. Allele origin: germline. Affected: yes. Observed: 4 variant alleles.

Literature cited by the submitters: PubMed 10074494 (cited by Labcorp Genetics (formerly Invitae), Labcorp); PubMed 10074495 (cited by Labcorp Genetics (formerly Invitae), Labcorp); PubMed 16299152 (cited by Labcorp Genetics (formerly Invitae), Labcorp).